The following is an entry in ClinVar:

NM_004655.4(AXIN2):c.1966C>T (p.Arg656Ter)

Gene: AXIN2 (axin 2; minus strand). Cytogenetic location: 17q24.1.
Variant type: single nucleotide variant.
Coding change: c.1966C>T on transcript NM_004655.4 (MANE Select); coding-DNA position 1966, C replaced by T.
Protein change: p.Arg656Ter; replaces arginine 656 with a stop codon.
Molecular consequence: nonsense.
Genome position (GRCh38, 1-based): chr17:65,536,495, G>A on the plus strand (C>T on the coding strand, the complement: AXIN2 is on the minus strand). VCF-style: chr17-65536495-G-A. GRCh37 (hg19) VCF-style: chr17-63532613-G-A.
Other names: c.1966C>T, p.Arg656Ter (LRG_296t1); c.1771C>T, p.Arg591Ter (NM_001363813.1); short protein forms R656*, R591*.
Identifiers: ClinVar variation 5881 (VCV000005881.15), dbSNP rs121908568, ClinGen allele CA280122.

ClinVar aggregate classification (germline): Pathogenic. Review status: criteria provided, multiple submitters, no conflicts (2 of 4 stars). 6 submissions from 6 submitters: Pathogenic (3). 3 of the submissions do not count toward it. Last evaluated 2024-11-12.

Conditions:
Hereditary cancer-predisposing syndrome. Also called: Hereditary Cancer Syndrome; Neoplastic Syndromes, Hereditary; Hereditary neoplastic syndrome; Tumor predisposition. Identifiers: Orphanet 140162, MedGen C0027672, MeSH D009386, MONDO:0015356.
Oligodontia-cancer predisposition syndrome. Also called: TOOTH AGENESIS-COLORECTAL CANCER SYNDROME. Identifiers: Orphanet 300576, MedGen C1837750, MONDO:0012075, OMIM 608615. Disease mechanism: loss of function.

Submissions (6):

Labcorp Genetics (formerly Invitae), Labcorp
Classification: Pathogenic for Oligodontia-cancer predisposition syndrome. Last evaluated: 2024-11-12. Review status: criteria provided, single submitter. Criteria: Invitae Variant Classification Sherloc (09022015). Collection method: clinical testing. Allele origin: germline.
Comment: This sequence change creates a premature translational stop signal (p.Arg656*) in the AXIN2 gene. It is expected to result in an absent or disrupted protein product. Loss-of-function variants in AXIN2 are known to be pathogenic (PMID: 15042511, 21416598). This variant is not present in population databases (gnomAD no frequency). This premature translational stop signal has been observed in individual(s) with oligodontia and colorectal adenomatous polyps in a single family and has been also found in an independent individual with hypodontia (PMID: 15042511, 22581971). It has also been observed to segregate with disease in related individuals. ClinVar contains an entry for this variant (Variation ID: 5881). For these reasons, this variant has been classified as Pathogenic.

Myriad Genetics, Inc.
Classification: Pathogenic for Oligodontia-cancer predisposition syndrome. Last evaluated: 2023-05-17. Review status: criteria provided, single submitter. Criteria: Myriad Autosomal Dominant, Autosomal Recessive and X-Linked Classification Criteria (2023). Collection method: clinical testing. Allele origin: unknown.
Comment: This variant is considered pathogenic. This variant creates a termination codon and is predicted to result in premature protein truncation.

Ambry Genetics
Classification: Pathogenic for Hereditary cancer-predisposing syndrome. Last evaluated: 2023-02-06. Review status: criteria provided, single submitter. Criteria: Ambry Variant Classification Scheme 2023. Collection method: clinical testing. Allele origin: germline.
Comment: The p.R656* pathogenic mutation (also known as c.1966C>T), located in coding exon 7 of the AXIN2 gene, results from a C to T substitution at nucleotide position 1966. This changes the amino acid from an arginine to a stop codon within coding exon 7. This alteration was found to segregate with disease within a Finnish family presenting with oligodontia and colorectal cancer (Lammi L et al. Am J Hum Genet, 2004 May;74:1043-50). This variant is considered to be rare based on population cohorts in the Genome Aggregation Database (gnomAD). In addition to the clinical data presented in the literature, this alteration is expected to result in loss of function by premature protein truncation or nonsense-mediated mRNA decay. As such, this alteration is interpreted as a disease-causing mutation.

OMIM
Classification: Pathogenic for OLIGODONTIA-COLORECTAL CANCER SYNDROME. Last evaluated: 2004-05-01. Review status: no assertion criteria provided. Collection method: literature only. Allele origin: germline. Not counted in ClinVar's aggregate classification.

Clinical Genetics, Academic Medical Center
Classification: Pathogenic. Review status: no assertion criteria provided. Collection method: clinical testing. Allele origin: germline. Affected: yes. Study: VKGL Data-share Consensus. Not counted in ClinVar's aggregate classification.

Genome Diagnostics Laboratory, University Medical Center Utrecht
Classification: Pathogenic. Review status: no assertion criteria provided. Collection method: clinical testing. Allele origin: germline. Affected: yes. Study: VKGL Data-share Consensus. Not counted in ClinVar's aggregate classification.

Literature cited by the submitters: PubMed 15042511 (cited by 3 submitters); PubMed 21416598 (cited by Labcorp Genetics (formerly Invitae), Labcorp); PubMed 22581971 (cited by Labcorp Genetics (formerly Invitae), Labcorp); PubMed 35014770 (cited by Ambry Genetics).